The following is an entry in ClinVar:

NM_000038.6(APC):c.160A>C (p.Ser54Arg)

Gene: APC (APC regulator of Wnt signaling pathway; plus strand). Cytogenetic location: 5q22.2.
Variant type: single nucleotide variant.
Coding change: c.160A>C on transcript NM_000038.6 (MANE Select); coding-DNA position 160, A replaced by C.
Protein change: p.Ser54Arg; replaces serine 54 with arginine.
Molecular consequence: missense variant. On other transcripts: 5 prime UTR variant (4).
Genome position (GRCh38, 1-based): chr5:112,766,350, A>C. VCF-style: chr5-112766350-A-C. GRCh37 (hg19) VCF-style: chr5-112102047-A-C.
Other names: c.160A>C, p.Ser54Arg (NM_001127510.3, NM_001354895.2, NM_001354896.2 and 2 more transcripts); c.190A>C, p.Ser64Arg (NM_001127511.3, NM_001354897.2, NM_001354902.2); c.85A>C, p.Ser29Arg (NM_001354898.2, NM_001354904.2); c.-18A>C (NM_001354900.2, NM_001354901.2, NM_001354905.2); c.-876A>C (NM_001354906.2); short protein forms S29R, S64R, S54R.
Identifiers: ClinVar variation 924168 (VCV000924168.6), dbSNP rs1756320735, ClinGen allele CA16021693.

ClinVar aggregate classification (germline): Uncertain significance. Review status: criteria provided, multiple submitters, no conflicts (2 of 4 stars). 3 submissions from 3 submitters: Uncertain significance (3). Last evaluated 2025-05-15.

Conditions:
Hereditary cancer-predisposing syndrome. Also called: Neoplastic Syndromes, Hereditary; Tumor predisposition; Hereditary Cancer Syndrome; Hereditary neoplastic syndrome. Identifiers: Orphanet 140162, MedGen C0027672, MeSH D009386, MONDO:0015356.

Submissions (3):

Ambry Genetics
Classification: Uncertain significance for Hereditary cancer-predisposing syndrome. Last evaluated: 2025-05-15. Review status: criteria provided, single submitter. Criteria: Ambry Variant Classification Scheme 2023. Collection method: clinical testing. Allele origin: germline.
Comment: The p.S54R variant (also known as c.160A>C), located in coding exon 2 of the APC gene, results from an A to C substitution at nucleotide position 160. The serine at codon 54 is replaced by arginine, an amino acid with dissimilar properties. This amino acid position is conserved. In addition, in silico predictors for this gene do not accurately predict pathogenicity. Based on the available evidence, the clinical significance of this variant remains unclear.

GeneDx
Classification: Uncertain significance. Last evaluated: 2025-02-23. Review status: criteria provided, single submitter. Criteria: GeneDx Variant Classification Process June 2021. Collection method: clinical testing. Allele origin: germline. Affected: yes.
Comment: Not observed at significant frequency in large population cohorts (gnomAD); In silico analysis indicates that this missense variant does not alter protein structure/function; Has not been previously published as pathogenic or benign to our knowledge; This variant is associated with the following publications: (PMID: 18199528)

Color Diagnostics, LLC DBA Color Health
Classification: Uncertain significance for Hereditary cancer-predisposing syndrome. Last evaluated: 2023-12-04. Review status: criteria provided, single submitter. Criteria: ACMG Guidelines, 2015. Collection method: clinical testing. Allele origin: germline.
Comment: This missense variant replaces serine with arginine at codon 54 of the APC protein. Computational prediction suggests that this variant may not impact protein structure and function (internally defined REVEL score threshold <= 0.5, PMID: 27666373). To our knowledge, functional studies have not been reported for this variant. This variant has not been reported in individuals affected with APC-related disorders in the literature. This variant has not been identified in the general population by the Genome Aggregation Database (gnomAD). The available evidence is insufficient to determine the role of this variant in disease conclusively. Therefore, this variant is classified as a Variant of Uncertain Significance.